The following is an entry in ClinVar:

ClinVar aggregate classification (germline): Uncertain significance. Review status: criteria provided, multiple submitters, no conflicts (2 of 4 stars). 3 submissions from 3 submitters: Uncertain significance (3). Last evaluated 2025-04-14.

Conditions:
Cardiovascular phenotype. Identifiers: MedGen CN230736.
Brugada syndrome. Also called: Sudden unexpected nocturnal death syndrome; Sudden Unexplained Death Syndrome; Sudden Unexplained Nocturnal Death Syndrome (SUNDS); Sudden unexplained nocturnal death syndrome. Identifiers: Orphanet 130, MedGen C1142166, MONDO:0015263.

Allele frequency attached by ClinVar (database versions not stated): ExAC 0.00001; gnomAD exomes 0.00001; gnomAD 0.00005; TOPMed 0.00009; 1000 Genomes Project 0.00020; 1000 Genomes Project 30x 0.00031.
gnomAD v4.1: 19 of 1,613,944 alleles (0.0012%); highest among the groups gnomAD compares: African/African-American, 0.019%; no homozygotes.

Submissions (3):

GeneDx
Classification: Uncertain significance. Last evaluated: 2025-04-14. Review status: criteria provided, single submitter. Criteria: GeneDx Variant Classification Process June 2021. Collection method: clinical testing. Allele origin: germline. Affected: yes.
Comment: Observed in large population cohorts (gnomAD; internal data); In silico analysis supports that this missense variant has a deleterious effect on protein structure/function; Has not been previously published as pathogenic or benign to our knowledge

Labcorp Genetics (formerly Invitae), Labcorp
Classification: Uncertain significance for Brugada syndrome. Last evaluated: 2025-02-27. Review status: criteria provided, single submitter. Criteria: Invitae Variant Classification Sherloc (09022015). Collection method: clinical testing. Allele origin: germline.
Comment: This sequence change replaces glycine, which is neutral and non-polar, with valine, which is neutral and non-polar, at codon 535 of the SCN10A protein (p.Gly535Val). This variant is present in population databases (rs556526024, gnomAD 0.01%). This variant has not been reported in the literature in individuals affected with SCN10A-related conditions. ClinVar contains an entry for this variant (Variation ID: 1020531). Invitae Evidence Modeling of protein sequence and biophysical properties (such as structural, functional, and spatial information, amino acid conservation, physicochemical variation, residue mobility, and thermodynamic stability) indicates that this missense variant is not expected to disrupt SCN10A protein function with a negative predictive value of 80%. In summary, the available evidence is currently insufficient to determine the role of this variant in disease. Therefore, it has been classified as a Variant of Uncertain Significance.

Ambry Genetics
Classification: Uncertain significance for Cardiovascular phenotype. Last evaluated: 2023-09-18. Review status: criteria provided, single submitter. Criteria: Ambry Variant Classification Scheme 2023. Collection method: clinical testing. Allele origin: germline.
Comment: The p.G535V variant (also known as c.1604G>T), located in coding exon 11 of the SCN10A gene, results from a G to T substitution at nucleotide position 1604. The glycine at codon 535 is replaced by valine, an amino acid with dissimilar properties. This amino acid position is not well conserved in available vertebrate species. In addition, the in silico prediction for this alteration is inconclusive. The evidence for this gene-disease relationship is limited; therefore, the clinical significance of this alteration is unclear.

NM_006514.4(SCN10A):c.1604G>T (p.Gly535Val)

Gene: SCN10A (sodium voltage-gated channel alpha subunit 10; minus strand). Cytogenetic location: 3p22.2.
Variant type: single nucleotide variant.
Coding change: c.1604G>T on transcript NM_006514.4 (MANE Select); coding-DNA position 1604, G replaced by T.
Protein change: p.Gly535Val; replaces glycine 535 with valine.
Molecular consequence: missense variant. On other transcripts: intron variant (1).
Genome position (GRCh38, 1-based): chr3:38,752,370, C>A on the plus strand (G>T on the coding strand, the complement: SCN10A is on the minus strand). VCF-style: chr3-38752370-C-A. GRCh37 (hg19) VCF-style: chr3-38793861-C-A.
Other names: c.1604G>T (NM_006514.2); c.1604G>T, p.Gly535Val (NM_001293306.2); c.1462-2186G>T (NM_001293307.2); short protein forms G535V.
Identifiers: ClinVar variation 1020531 (VCV001020531.6), dbSNP rs556526024, ClinGen allele CA2320799.